The following is an entry in ClinVar:

ClinVar aggregate classification (germline): Benign/Likely benign. Review status: criteria provided, multiple submitters, no conflicts (2 of 4 stars). 21 submissions from 14 submitters: Benign (14); Likely benign (3). 4 of the submissions do not count toward it. Last evaluated 2026-02-04.

Conditions:
Autosomal recessive limb-girdle muscular dystrophy type 2J (LGMDR10). Also called: Limb-girdle muscular dystrophy, type 2J; MUSCULAR DYSTROPHY, LIMB-GIRDLE, AUTOSOMAL RECESSIVE 10. Identifiers: Orphanet 140922, MedGen C1837342, MONDO:0012127, OMIM 608807.
Dilated cardiomyopathy 1G (CMD1G). Identifiers: Orphanet 154, MedGen C1858763, MONDO:0011400, OMIM 604145.
Early-onset myopathy with fatal cardiomyopathy (CMYO5). Also called: Salih Myopathy; CONGENITAL MYOPATHY 5 WITH CARDIOMYOPATHY. Identifiers: Orphanet 289377, MedGen C2673677, MONDO:0012714, OMIM 611705. Disease mechanism: loss of function.
Myopathy, myofibrillar, 9, with early respiratory failure (MFM9). Also called: EDSTROM MYOPATHY; MYOPATHY, PROXIMAL, WITH EARLY RESPIRATORY MUSCLE INVOLVEMENT; Hereditary myopathy with early respiratory failure; Myopathy, distal, with early respiratory failure, autosomal dominant. Identifiers: Orphanet 178464, Orphanet 34521, MedGen C1863599, MONDO:0011362, OMIM 603689.
Tibial muscular dystrophy (TMD). Also called: Udd Distal Myopathy – Tibial Muscular Dystrophy; UDD MYOPATHY; Tibial muscular dystrophy, tardive. Identifiers: Orphanet 609, MedGen C1838244, MONDO:0010870, OMIM 600334.

Allele frequency attached by ClinVar (database versions not stated): 1000 Genomes Project 0.03295; 1000 Genomes Project 30x 0.03498; gnomAD exomes 0.01525; ExAC 0.02071; ESP Exome Variant Server 0.02369; gnomAD 0.02785 and 0.02884; TOPMed 0.02940.
gnomAD v4.1: 20,178 of 1,544,738 alleles (1.3%); highest among the groups gnomAD compares: African/African-American, 6.9%; 281 homozygotes.

Submissions (21):

Labcorp Genetics (formerly Invitae), Labcorp
Classification: Benign for Dilated cardiomyopathy 1G; Autosomal recessive limb-girdle muscular dystrophy type 2J. Last evaluated: 2026-02-04. Review status: criteria provided, single submitter. Criteria: Invitae Variant Classification Sherloc (09022015). Collection method: clinical testing. Allele origin: germline.

ARUP Laboratories, Molecular Genetics and Genomics, ARUP Laboratories
Classification: Benign. Last evaluated: 2025-06-25. Review status: criteria provided, single submitter. Criteria: ARUP Molecular Germline Variant Investigation Process 2024. Collection method: clinical testing. Allele origin: germline.

Blueprint Genetics
Classification: Likely benign. Last evaluated: 2024-11-25. Review status: criteria provided, single submitter. Criteria: ACMG Guidelines, 2015. Collection method: clinical testing. Allele origin: germline.

Genome-Nilou Lab
Classification: Benign for Autosomal recessive limb-girdle muscular dystrophy type 2J. Last evaluated: 2021-09-10. Review status: criteria provided, single submitter. Criteria: ACMG Guidelines, 2015. Collection method: clinical testing. Allele origin: germline. Affected: no.

Genome-Nilou Lab
Classification: Benign for Myopathy, myofibrillar, 9, with early respiratory failure. Last evaluated: 2021-09-10. Review status: criteria provided, single submitter. Criteria: ACMG Guidelines, 2015. Collection method: clinical testing. Allele origin: germline. Affected: no.

Genome-Nilou Lab
Classification: Benign for Early-onset myopathy with fatal cardiomyopathy. Last evaluated: 2021-09-10. Review status: criteria provided, single submitter. Criteria: ACMG Guidelines, 2015. Collection method: clinical testing. Allele origin: germline. Affected: no.

Genome-Nilou Lab
Classification: Benign for Tibial muscular dystrophy. Last evaluated: 2021-09-10. Review status: criteria provided, single submitter. Criteria: ACMG Guidelines, 2015. Collection method: clinical testing. Allele origin: germline. Affected: no.

Women's Health and Genetics/Laboratory Corporation of America, LabCorp
Classification: Benign. Last evaluated: 2020-01-11. Review status: criteria provided, single submitter. Criteria: LabCorp Variant Classification Summary - May 2015. Collection method: clinical testing. Allele origin: germline.

Illumina Laboratory Services, Illumina
Classification: Benign for Early-onset myopathy with fatal cardiomyopathy. Last evaluated: 2018-01-12. Review status: criteria provided, single submitter. Criteria: ICSL Variant Classification Criteria 13 December 2019. Collection method: clinical testing. Allele origin: germline.
Comment: This variant was observed in the ICSL laboratory as part of a predisposition screen in an ostensibly healthy population. It had not been previously curated by ICSL or reported in the Human Gene Mutation Database (HGMD: prior to June 1st, 2018), and was therefore a candidate for classification through an automated scoring system. Utilizing variant allele frequency, disease prevalence and penetrance estimates, and inheritance mode, an automated score was calculated to assess if this variant is too frequent to cause the disease. Based on the score and internal cut-off values, a variant classified as benign is not then subjected to further curation. The score for this variant resulted in a classification of benign for this disease.

Illumina Laboratory Services, Illumina
Classification: Likely benign for Dilated cardiomyopathy 1G. Last evaluated: 2018-01-12. Review status: criteria provided, single submitter. Criteria: ICSL Variant Classification Criteria 13 December 2019. Collection method: clinical testing. Allele origin: germline.
Comment: This variant was observed in the ICSL laboratory as part of a predisposition screen in an ostensibly healthy population. It had not been previously curated by ICSL or reported in the Human Gene Mutation Database (HGMD: prior to June 1st, 2018), and was therefore a candidate for classification through an automated scoring system. Utilizing variant allele frequency, disease prevalence and penetrance estimates, and inheritance mode, an automated score was calculated to assess if this variant is too frequent to cause the disease. Based on the score and internal cut-off values, a variant classified as likely benign is not then subjected to further curation. The score for this variant resulted in a classification of likely benign for this disease.

Illumina Laboratory Services, Illumina
Classification: Benign for Myopathy, myofibrillar, 9, with early respiratory failure. Last evaluated: 2018-01-12. Review status: criteria provided, single submitter. Criteria: ICSL Variant Classification Criteria 13 December 2019. Collection method: clinical testing. Allele origin: germline.
Comment: the same text as in the submission from Illumina Laboratory Services, Illumina above.

Illumina Laboratory Services, Illumina
Classification: Benign for Autosomal recessive limb-girdle muscular dystrophy type 2J. Last evaluated: 2018-01-12. Review status: criteria provided, single submitter. Criteria: ICSL Variant Classification Criteria 13 December 2019. Collection method: clinical testing. Allele origin: germline.
Comment: the same text as in the submission from Illumina Laboratory Services, Illumina above.

Illumina Laboratory Services, Illumina
Classification: Benign for Tibial muscular dystrophy. Last evaluated: 2018-01-12. Review status: criteria provided, single submitter. Criteria: ICSL Variant Classification Criteria 13 December 2019. Collection method: clinical testing. Allele origin: germline.
Comment: the same text as in the submission from Illumina Laboratory Services, Illumina above.

GeneDx
Classification: Benign. Last evaluated: 2013-03-12. Review status: criteria provided, single submitter. Criteria: GeneDx Variant Classification (06012015). Collection method: clinical testing. Allele origin: germline. Affected: yes.
Comment: This variant is considered likely benign or benign based on one or more of the following criteria: it is a conservative change, it occurs at a poorly conserved position in the protein, it is predicted to be benign by multiple in silico algorithms, and/or has population frequency not consistent with disease.

Laboratory for Molecular Medicine, Mass General Brigham Personalized Medicine
Classification: Benign. Last evaluated: 2012-05-24. Review status: criteria provided, single submitter. Criteria: LMM Criteria. Collection method: clinical testing. Allele origin: germline. Observed: 68 variant alleles.
Comment: 5.6% (154/2764) of Afr Amer chrom from ESP

Breakthrough Genomics
Classification: Likely benign. Review status: criteria provided, single submitter. Criteria: ACMG Guidelines, 2015. Collection method: not provided. Allele origin: germline. Inheritance: Autosomal recessive inheritance. Affected: yes.

PreventionGenetics, part of Exact Sciences
Classification: Benign. Review status: criteria provided, single submitter. Criteria: ACMG Guidelines, 2015. Collection method: clinical testing. Allele origin: germline.

Clinical Genetics DNA and cytogenetics Diagnostics Lab, Erasmus MC, Erasmus Medical Center
Classification: Benign. Review status: no assertion criteria provided. Collection method: clinical testing. Allele origin: germline. Affected: yes. Study: VKGL Data-share Consensus. Not counted in ClinVar's aggregate classification.

Clinical Genetics, Academic Medical Center
Classification: Benign. Review status: no assertion criteria provided. Collection method: clinical testing. Allele origin: germline. Affected: yes. Study: VKGL Data-share Consensus. Not counted in ClinVar's aggregate classification.

Joint Genome Diagnostic Labs from Nijmegen and Maastricht, Radboudumc and MUMC+
Classification: Benign. Review status: no assertion criteria provided. Collection method: clinical testing. Allele origin: germline. Affected: yes. Study: VKGL Data-share Consensus. Not counted in ClinVar's aggregate classification.

Laboratory of Diagnostic Genome Analysis, Leiden University Medical Center (LUMC)
Classification: Likely benign. Review status: no assertion criteria provided. Collection method: clinical testing. Allele origin: germline. Affected: yes. Study: VKGL Data-share Consensus. Not counted in ClinVar's aggregate classification.

NM_001267550.2(TTN):c.32393-12A>G

Gene: TTN (titin; minus strand). Cytogenetic location: 2q31.2.
Variant type: single nucleotide variant.
Coding change: c.32393-12A>G on transcript NM_001267550.2 (MANE Select); 12 bases into the intron before coding-DNA position 32393, A replaced by G.
Molecular consequence: intron variant.
Genome position (GRCh38, 1-based): chr2:178,685,342, T>C on the plus strand (A>G on the coding strand, the complement: TTN is on the minus strand). VCF-style: chr2-178685342-T-C. GRCh37 (hg19) VCF-style: chr2-179550069-T-C.
Other names: c.13283-43025A>G (NM_003319.4); c.13859-43025A>G (NM_133437.4); c.13658-43025A>G (NM_133432.3); c.28661-12A>G (NM_133378.4); c.31442-12A>G (NM_001256850.1).
Identifiers: ClinVar variation 46866 (VCV000046866.40), dbSNP rs16866434, ClinGen allele CA283122.